The following is an entry in ClinVar:

ClinVar aggregate classification (germline): Uncertain significance (1 of 4 stars; one submission).

Submission:

Ambry Genetics
Classification: Uncertain significance. Last evaluated: 2022-10-27. Review status: criteria provided, single submitter. Criteria: Ambry Variant Classification Scheme 2023. Collection method: clinical testing. Allele origin: germline.
Comment: The p.N405S variant (also known as c.1214A>G), located in coding exon 6 of the MNDA gene, results from an A to G substitution at nucleotide position 1214. The asparagine at codon 405 is replaced by serine, an amino acid with highly similar properties. This amino acid position is conserved. In addition, this alteration is predicted to be tolerated by in silico analysis. Since supporting evidence is limited at this time, the clinical significance of this alteration remains unclear.

NM_002432.3(MNDA):c.1214A>G (p.Asn405Ser)

Gene: MNDA (myeloid cell nuclear differentiation antigen; plus strand). Cytogenetic location: 1q23.1.
Variant type: single nucleotide variant.
Coding change: c.1214A>G on transcript NM_002432.3 (MANE Select); coding-DNA position 1214, A replaced by G.
Protein change: p.Asn405Ser; replaces asparagine 405 with serine.
Molecular consequence: missense variant.
Genome position (GRCh38, 1-based): chr1:158,849,227, A>G. VCF-style: chr1-158849227-A-G. GRCh37 (hg19) VCF-style: chr1-158819017-A-G.
Other names: short protein forms N405S.
Identifiers: ClinVar variation 1751085 (VCV001751085.2), dbSNP rs2526096644, ClinGen allele CA343045925.
Genomic context (GRCh38, chr1:158,849,227, plus strand): 5'-GTCTTTCTTATCTCTCTTTAAAGGTCATCAAGGCCAAGAAAAACAAGGAAGGACCAATGA[A>G]TGTTAATTGAAATATGAAAGCTGAAATGCAACAAACAACTTCCGCTTAAAACAATTAAGT-3'
Protein context (NP_002423.1, residues 395-407): KAKKNKEGPM[Asn405Ser]VN